The following is an entry in ClinVar:

ClinVar aggregate classification (germline): Benign/Likely benign. Review status: criteria provided, multiple submitters, no conflicts (2 of 4 stars). 3 submissions from 3 submitters: Benign (1); Likely benign (2). Last evaluated 2025-12-08.

Conditions:
Hereditary cancer-predisposing syndrome. Also called: Hereditary neoplastic syndrome; Neoplastic Syndromes, Hereditary; Tumor predisposition; Hereditary Cancer Syndrome. Identifiers: Orphanet 140162, MedGen C0027672, MeSH D009386, MONDO:0015356.
Peutz-Jeghers syndrome (PJS). Also called: POLYPOSIS, HAMARTOMATOUS INTESTINAL; POLYPS-AND-SPOTS SYNDROME; Peutz-Jeghers polyposis; Periorificial lentiginosis syndrome. Identifiers: Orphanet 2869, MedGen C0031269, MeSH D010580, MONDO:0008280, OMIM 175200.

Allele frequency attached by ClinVar (database versions not stated): TOPMed 0.00001; gnomAD 0.00002.
gnomAD v4.1: 5 of 1,613,728 alleles (0.00031%); highest among the groups gnomAD compares: African/African-American, 0.0053%; no homozygotes.

Submissions (3):

Labcorp Genetics (formerly Invitae), Labcorp
Classification: Likely benign for Peutz-Jeghers syndrome. Last evaluated: 2025-12-08. Review status: criteria provided, single submitter. Criteria: Invitae Variant Classification Sherloc (09022015). Collection method: clinical testing. Allele origin: germline.

Myriad Genetics, Inc.
Classification: Benign for Peutz-Jeghers syndrome. Last evaluated: 2025-03-25. Review status: criteria provided, single submitter. Criteria: Myriad Autosomal Dominant, Autosomal Recessive and X-Linked Classification Criteria (2023). Collection method: clinical testing. Allele origin: unknown.
Comment: This variant is considered benign. This variant is a silent/synonymous amino acid change and it is not expected to impact splicing.

Ambry Genetics
Classification: Likely benign for Hereditary cancer-predisposing syndrome. Last evaluated: 2017-06-23. Review status: criteria provided, single submitter. Criteria: Ambry Variant Classification Scheme 2023. Collection method: clinical testing. Allele origin: germline.

NM_000455.5(STK11):c.114G>T (p.Pro38=)

Gene: STK11 (serine/threonine kinase 11; plus strand). Cytogenetic location: 19p13.3.
Variant type: single nucleotide variant.
Coding change: c.114G>T on transcript NM_000455.5 (MANE Select); coding-DNA position 114, G replaced by T.
Protein change: p.Pro38=; no amino-acid change (proline 38 retained).
Molecular consequence: synonymous variant.
Genome position (GRCh38, 1-based): chr19:1,207,027, G>T. VCF-style: chr19-1207027-G-T. GRCh37 (hg19) VCF-style: chr19-1207026-G-T.
Identifiers: ClinVar variation 480729 (VCV000480729.14), dbSNP rs981179453, ClinGen allele CA9039445.